The following is an entry in ClinVar:

ClinVar aggregate classification (germline): Pathogenic. Review status: criteria provided, multiple submitters, no conflicts (2 of 4 stars). 3 submissions from 3 submitters: Pathogenic (3). Last evaluated 2024-09-06.

Conditions:
Familial thoracic aortic aneurysm and aortic dissection (TAAD). Also called: Thoracic aortic aneurysms and dissections. Identifiers: Orphanet 91387, MedGen C4707243, MONDO:0019625.

Submissions (3):

Centre of Medical Genetics, University of Antwerp
Classification: Pathogenic for Familial thoracic aortic aneurysm and aortic dissection. Last evaluated: 2024-09-06. Review status: criteria provided, single submitter. Criteria: ACMG Guidelines, 2015. Collection method: clinical testing. Allele origin: germline. Affected: yes.
Comment: P(PVS1; PM2)

Labcorp Genetics (formerly Invitae), Labcorp
Classification: Pathogenic for Familial thoracic aortic aneurysm and aortic dissection. Last evaluated: 2023-10-06. Review status: criteria provided, single submitter. Criteria: Invitae Variant Classification Sherloc (09022015). Collection method: clinical testing. Allele origin: germline.
Comment: This sequence change creates a premature translational stop signal (p.Gly183Alafs*3) in the SMAD3 gene. It is expected to result in an absent or disrupted protein product. Loss-of-function variants in SMAD3 are known to be pathogenic (PMID: 21778426, 24804794). This variant is not present in population databases (gnomAD no frequency). This premature translational stop signal has been observed in individual(s) with thoracic aortic aneurysm and dissection (PMID: 25644172). ClinVar contains an entry for this variant (Variation ID: 927640). For these reasons, this variant has been classified as Pathogenic.

Color Diagnostics, LLC DBA Color Health
Classification: Pathogenic for Familial thoracic aortic aneurysm and aortic dissection. Last evaluated: 2019-08-20. Review status: criteria provided, single submitter. Criteria: ACMG Guidelines, 2015. Collection method: clinical testing. Allele origin: germline.
Comment: This variant deletes 1 nucleotide in exon 4 of the SMAD3 gene, creating a frameshift and premature translation stop signal. This variant is expected to result in an absent or non-functional protein product. Splice site prediction tools suggest that this variant may not impact RNA splicing. To our knowledge, functional studies have not been performed for this variant. This variant has not been reported in individuals affected with cardiovascular disorders in the literature. This variant has not been identified in the general population by the Genome Aggregation Database (gnomAD). Loss of SMAD3 function is a known mechanism of disease. Based on the available evidence, this variant is classified as Pathogenic.

Literature cited by the submitters: PubMed 21778426 (cited by Labcorp Genetics (formerly Invitae), Labcorp); PubMed 24804794 (cited by Labcorp Genetics (formerly Invitae), Labcorp); PubMed 25644172 (cited by Labcorp Genetics (formerly Invitae), Labcorp).

NM_005902.4(SMAD3):c.546del (p.Gly183fs)

Gene: SMAD3 (SMAD family member 3; plus strand). Cytogenetic location: 15q22.33.
Variant type: Deletion.
Coding change: c.546del on transcript NM_005902.4 (MANE Select); coding-DNA position 546, one base deleted (T; older notation c.546delT).
Protein change: p.Gly183fs; shifts the reading frame from glycine 183.
Molecular consequence: frameshift variant. On other transcripts: 5 prime UTR variant (1).
Genome position (GRCh38, 1-based): chr15:67,166,792, T deleted. VCF-style (leftmost placement, unchanged base first): chr15-67166791-CT-C. GRCh37 (hg19) VCF-style: chr15-67459129-CT-C.
Other names: c.231del, p.Gly78fs (NM_001145102.2); c.414del, p.Gly139fs (NM_001145103.2); c.-40del (NM_001145104.2); short protein forms G183fs, G139fs, G78fs.
Identifiers: ClinVar variation 927640 (VCV000927640.7), dbSNP rs1962602493, ClinGen allele CA658820891.